The following is an entry in ClinVar:

NM_005357.4(LIPE):c.2499G>A (p.Glu833=)

Genes: LIPE (lipase E, hormone sensitive type; minus strand), LIPE-AS1 (LIPE antisense RNA 1; plus strand), LOC101930071 (uncharacterized LOC101930071; plus strand). Cytogenetic location: 19q13.2.
Variant type: single nucleotide variant.
Coding change: c.2499G>A on transcript NM_005357.4 (MANE Select); coding-DNA position 2499, G replaced by A.
Protein change: p.Glu833=; no amino-acid change (glutamic acid 833 retained).
Molecular consequence: synonymous variant.
Genome position (GRCh38, 1-based): chr19:42,405,428, C>T on the plus strand (G>A on the coding strand, the complement: LIPE is on the minus strand). VCF-style: chr19-42405428-C-T. GRCh37 (hg19) VCF-style: chr19-42909580-C-T.
Other names: c.1749G>A, p.Glu583= (NM_001416100.1); c.1734G>A, p.Glu578= (NM_001416101.1); c.1629G>A, p.Glu543= (NM_001416102.1); c.1596G>A, p.Glu532= (NM_001416103.1, NM_001416104.1); c.1506G>A, p.Glu502= (NM_001416105.1); c.1401G>A, p.Glu467= (NM_001416106.1); c.912G>A, p.Glu304= (NM_001416107.1); c.858G>A, p.Glu286= (NM_001416108.1).
Identifiers: ClinVar variation 3350619 (VCV003350619.1).
Genomic context (GRCh38, chr19:42,405,428, plus strand): 5'-GGGAGTGAATCACTCACCTGCTATGGGCTCCGACATCTTCTGGGACTTGCGCCCACTTAA[C>T]TCCAGGAAGGAGTTGAGCCATGAGGAGGCACCCAGGCGGAAGTCTCGGAGGAGCAGGGCT-3'
Protein context (NP_005348.2, residues 823-843): GASSWLNSFL[Glu833=]LSGRKSQKMS

ClinVar aggregate classification (germline): Likely benign (0 of 4 stars; one submission).

Conditions:
LIPE-related disorder. Also called: LIPE-related condition.

gnomAD v4.1: 64 of 1,613,838 alleles (0.004%); highest among the groups gnomAD compares: South Asian, 0.064%; no homozygotes.

Submission:

PreventionGenetics, part of Exact Sciences
Classification: Likely benign for LIPE-related condition. Last evaluated: 2024-04-18. Review status: no assertion criteria provided. Collection method: clinical testing. Allele origin: germline.
Comment: This variant is classified as likely benign based on ACMG/AMP sequence variant interpretation guidelines (Richards et al. 2015 PMID: 25741868, with internal and published modifications).